The following is an entry in ClinVar:

NM_198253.3(TERT):c.1915G>T (p.Val639Phe)

Gene: TERT (telomerase reverse transcriptase; minus strand). Cytogenetic location: 5p15.33.
Variant type: single nucleotide variant.
Coding change: c.1915G>T on transcript NM_198253.3 (MANE Select); coding-DNA position 1915, G replaced by T.
Protein change: p.Val639Phe; replaces valine 639 with phenylalanine.
Molecular consequence: missense variant. On other transcripts: non-coding transcript variant (2).
Genome position (GRCh38, 1-based): chr5:1,280,193, C>A on the plus strand (G>T on the coding strand, the complement: TERT is on the minus strand). VCF-style: chr5-1280193-C-A. GRCh37 (hg19) VCF-style: chr5-1280308-C-A.
Other names: c.1915G>T, p.Val639Phe (NM_001193376.3); short protein forms V639F.
Identifiers: ClinVar variation 5030625 (VCV005030625.1).
Genomic context (GRCh38, chr5:1,280,193, plus strand): 5'-GGAAGTTAAACCAAAGCACAGCCACCCTCTTTTCTCTGCGGAACGTTCTGGCTCCCACGA[C>A]GTAGTCCATGTTCACAATCGGCCGCAGCCCGTCAGGCTTGGGGATGAAGCGGAGTCTGGA-3'
Protein context (NP_937983.2, residues 629-649): GLRPIVNMDY[Val639Phe]VGARTFRREK

ClinVar aggregate classification (germline): Uncertain significance (1 of 4 stars; one submission).

Conditions:
Dyskeratosis congenita. Identifiers: Orphanet 1775, MedGen C0265965, MONDO:0015780.

Submission:

Ambry Genetics
Classification: Uncertain significance for Dyskeratosis congenita. Last evaluated: 2026-07-01. Review status: criteria provided, single submitter. Criteria: Ambry Variant Classification Scheme 2023. Collection method: clinical testing. Allele origin: germline.
Comment: The p.V639F variant (also known as c.1915G>T), located in coding exon 4 of the TERT gene, results from a G to T substitution at nucleotide position 1915. The valine at codon 639 is replaced by phenylalanine, an amino acid with highly similar properties. This amino acid position is not well conserved in available vertebrate species. In addition, the in silico prediction for this alteration is inconclusive. Based on the available evidence, the clinical significance of this variant remains unclear.